The following is an entry in ClinVar:

ClinVar aggregate classification (germline): Pathogenic (1 of 4 stars; one submission).

Submission:

GeneDx
Classification: Pathogenic. Last evaluated: 2022-05-05. Review status: criteria provided, single submitter. Criteria: GeneDx Variant Classification Process June 2021. Collection method: clinical testing. Allele origin: germline. Affected: yes.
Comment: Frameshift variant predicted to result in protein truncation or nonsense mediated decay in a gene for which loss-of-function is a known mechanism of disease; Not observed at significant frequency in large population cohorts (gnomAD); Reported in association with CCM (Couteulx et al., 2002); This variant is associated with the following publications: (PMID: 11831930)

NM_194454.3(KRIT1):c.1970dup (p.Val658fs)

Gene: KRIT1 (KRIT1 ankyrin repeat containing; minus strand). Cytogenetic location: 7q21.2.
Variant type: Duplication.
Coding change: c.1970dup on transcript NM_194454.3 (MANE Select); coding-DNA position 1970, one base duplicated (C; older notation c.1970dupC).
Protein change: p.Val658fs; shifts the reading frame from valine 658.
Molecular consequence: frameshift variant.
Genome position (GRCh38, 1-based): chr7:92,213,250, G duplicated on the plus strand (C on the coding strand, the reverse complement: KRIT1 is on the minus strand); the first of 3 consecutive G bases (chr7:92,213,250-92,213,252); duplicating any one gives the same sequence. VCF-style (leftmost placement, unchanged base first): chr7-92213249-A-AG. GRCh37 (hg19) VCF-style: chr7-91842563-A-AG.
Other names: c.1970dupC (NM_194456.1); c.1826dup, p.Val610fs (NM_001013406.2, NM_001350669.1, NM_001350670.1); c.1256dup, p.Val420fs (NM_001350671.1); c.1970dup, p.Val658fs (NM_001350672.1, NM_001350673.1, NM_001350674.1 and 26 more transcripts); short protein forms V420fs, V658fs, V610fs.
Identifiers: ClinVar variation 503997 (VCV000503997.4), dbSNP rs1554502838, ClinGen allele CA658796963.